The following is an entry in ClinVar:

ClinVar aggregate classification (germline): Uncertain significance. Review status: criteria provided, multiple submitters, no conflicts (2 of 4 stars). 2 submissions from 2 submitters: Uncertain significance (2). Last evaluated 2025-03-04.

Conditions:
Hereditary cancer-predisposing syndrome. Also called: Tumor predisposition; Hereditary Cancer Syndrome; Hereditary neoplastic syndrome; Neoplastic Syndromes, Hereditary. Identifiers: Orphanet 140162, MedGen C0027672, MeSH D009386, MONDO:0015356.

Submissions (2):

Ambry Genetics
Classification: Uncertain significance for Hereditary cancer-predisposing syndrome. Last evaluated: 2025-03-04. Review status: criteria provided, single submitter. Criteria: Ambry Variant Classification Scheme 2023. Collection method: clinical testing. Allele origin: germline.
Comment: The p.Y467S variant (also known as c.1400A>C), located in coding exon 14 of the POLE gene, results from an A to C substitution at nucleotide position 1400. The tyrosine at codon 467 is replaced by serine, an amino acid with dissimilar properties. This amino acid position is conserved. In addition, this alteration is predicted to be deleterious by in silico analysis. Based on the available evidence, the clinical significance of this variant remains unclear.

Labcorp Genetics (formerly Invitae), Labcorp
Classification: Uncertain significance. Last evaluated: 2022-11-13. Review status: criteria provided, single submitter. Criteria: Invitae Variant Classification Sherloc (09022015). Collection method: clinical testing. Allele origin: germline.
Comment: In summary, the available evidence is currently insufficient to determine the role of this variant in disease. Therefore, it has been classified as a Variant of Uncertain Significance. Advanced modeling of protein sequence and biophysical properties (such as structural, functional, and spatial information, amino acid conservation, physicochemical variation, residue mobility, and thermodynamic stability) performed at Invitae indicates that this missense variant is expected to disrupt POLE protein function. This variant has not been reported in the literature in individuals affected with POLE-related conditions. This variant is not present in population databases (gnomAD no frequency). This sequence change replaces tyrosine, which is neutral and polar, with serine, which is neutral and polar, at codon 467 of the POLE protein (p.Tyr467Ser).

NM_006231.4(POLE):c.1400A>C (p.Tyr467Ser)

Gene: POLE (DNA polymerase epsilon, catalytic subunit; minus strand). Cytogenetic location: 12q24.33.
Variant type: single nucleotide variant.
Coding change: c.1400A>C on transcript NM_006231.4 (MANE Select); coding-DNA position 1400, A replaced by C.
Protein change: p.Tyr467Ser; replaces tyrosine 467 with serine.
Molecular consequence: missense variant.
Genome position (GRCh38, 1-based): chr12:132,673,237, T>G on the plus strand (A>C on the coding strand, the complement: POLE is on the minus strand). VCF-style: chr12-132673237-T-G. GRCh37 (hg19) VCF-style: chr12-133249823-T-G.
Other names: c.1400A>C (NM_006231.2); short protein forms Y467S.
Identifiers: ClinVar variation 2814034 (VCV002814034.4), dbSNP rs2135996567, ClinGen allele CA387358602.
Genomic context (GRCh38, chr12:132,673,237, plus strand): 5'-ATGGGAATAATGGTGCACAGAGCAAAGATGAATGGGTGGACGTACTTCATGTACAGGTAG[T>G]AAGTGGCGACAGCATCTGACACAGAATACGTGGCCAGAGTCTGAGGAGAGAACGCCAGAG-3'
Protein context (NP_006222.2, residues 457-477): TYSVSDAVAT[Tyr467Ser]YLYMKYVHPF